The following is an entry in ClinVar:

ClinVar aggregate classification (germline): Uncertain significance (1 of 4 stars; one submission).

Conditions:
Mitochondrial trifunctional protein deficiency. Identifiers: Orphanet 746, MedGen C1969443, MONDO:0012172.
Long chain 3-hydroxyacyl-CoA dehydrogenase deficiency. Also called: Deficiency of long-chain 3-hydroxyacyl-coenzyme A dehydrogenase; LCHAD Deficiency. Identifiers: Orphanet 5, MedGen C3711645, MONDO:0012173, OMIM 609016.

Submission:

Labcorp Genetics (formerly Invitae), Labcorp
Classification: Uncertain significance for Mitochondrial trifunctional protein deficiency; Long chain 3-hydroxyacyl-CoA dehydrogenase deficiency. Last evaluated: 2022-06-22. Review status: criteria provided, single submitter. Criteria: Invitae Variant Classification Sherloc (09022015). Collection method: clinical testing. Allele origin: germline.
Comment: In summary, the available evidence is currently insufficient to determine the role of this variant in disease. Therefore, it has been classified as a Variant of Uncertain Significance. This sequence change affects an acceptor splice site in intron 19 of the HADHA gene. While this variant is not anticipated to result in nonsense mediated decay, it likely alters RNA splicing and results in a disrupted protein product. This variant is not present in population databases (gnomAD no frequency). This variant has not been reported in the literature in individuals affected with HADHA-related conditions. Variants that disrupt the consensus splice site are a relatively common cause of aberrant splicing (PMID: 17576681, 9536098). Algorithms developed to predict the effect of sequence changes on RNA splicing suggest that this variant may disrupt the consensus splice site.

Literature cited by the submitters: PubMed 17576681; PubMed 9536098.

NM_000182.5(HADHA):c.2147-2A>G

Genes: GAREM2 (GRB2 associated regulator of MAPK1 subtype 2; plus strand), HADHA (hydroxyacyl-CoA dehydrogenase trifunctional multienzyme complex subunit alpha; minus strand). Cytogenetic location: 2p23.3.
Variant type: single nucleotide variant.
Coding change: c.2147-2A>G on transcript NM_000182.5 (MANE Select); the canonical splice acceptor site of the intron before coding-DNA position 2147, A replaced by G.
Molecular consequence: splice acceptor variant.
Genome position (GRCh38, 1-based): chr2:26,191,397, T>C on the plus strand (A>G on the coding strand, the complement: HADHA is on the minus strand). VCF-style: chr2-26191397-T-C. GRCh37 (hg19) VCF-style: chr2-26414266-T-C.
Identifiers: ClinVar variation 2135710 (VCV002135710.4), dbSNP rs2465505094, ClinGen allele CA346111951.
Genomic context (GRCh38, chr2:26,191,397, plus strand): 5'-TTTCTTGAGCCGGTCCACTATCTTCTGGGCGCCATACAGATCCACAAAGCGGAAAGGCCC[T>C]GAATAGAGAAAGAGGACTTCGTTGAAGGAGACGCAACACGGGCTCCAGGCTAAAGTGAGC-3'